The following is an entry in ClinVar:

NM_001122630.2(CDKN1C):c.395C>T (p.Ala132Val)

Gene: CDKN1C (cyclin dependent kinase inhibitor 1C; minus strand). Cytogenetic location: 11p15.4.
Variant type: single nucleotide variant.
Coding change: c.395C>T on transcript NM_001122630.2 (MANE Select); coding-DNA position 395, C replaced by T.
Protein change: p.Ala132Val; replaces alanine 132 with valine.
Molecular consequence: missense variant. On other transcripts: intron variant (1).
Genome position (GRCh38, 1-based): chr11:2,885,062, G>A on the plus strand (C>T on the coding strand, the complement: CDKN1C is on the minus strand). VCF-style: chr11-2885062-G-A. GRCh37 (hg19) VCF-style: chr11-2906292-G-A.
Other names: c.428C>T, p.Ala143Val (LRG_533t1, NM_000076.2, NM_001362474.2); c.395C>T, p.Ala132Val (NM_001122631.2); c.255+140C>T (NM_001362475.2); short protein forms A143V, A132V.
Identifiers: ClinVar variation 643966 (VCV000643966.12), dbSNP rs896475967, ClinGen allele CA216367345.

ClinVar aggregate classification (germline): Uncertain significance. Review status: criteria provided, multiple submitters, no conflicts (2 of 4 stars). 3 submissions from 3 submitters: Uncertain significance (3). Last evaluated 2026-07-23.

Conditions:
Beckwith-Wiedemann syndrome (BWS). Also called: EMG SYNDROME; Exomphalos macroglossia gigantism syndrome. Identifiers: Orphanet 116, MedGen C0004903, MONDO:0007534, OMIM 130650.
Inborn genetic diseases. Identifiers: MedGen C0950123, MeSH D030342.
IMAGe syndrome. Also called: Intrauterine growth retardation, metaphyseal dysplasia, adrenal hypoplasia congenita, and genital anomalies; Intrauterine Growth Restriction, Metaphyseal Dysplasia, Adrenal Hypoplasia Congenita, and Genital Anomalies. Identifiers: Orphanet 85173, MedGen C1846009, MONDO:0013873, OMIM 614732.

Allele frequency attached by ClinVar (database versions not stated): gnomAD exomes below 0.00001; gnomAD 0.00003 and 0.00004; TOPMed 0.00003.

Submissions (3):

Ambry Genetics
Classification: Uncertain significance for Inborn genetic diseases. Last evaluated: 2026-07-23. Review status: criteria provided, single submitter. Criteria: Ambry Variant Classification Scheme 2023. Collection method: clinical testing. Allele origin: germline.

Labcorp Genetics (formerly Invitae), Labcorp
Classification: Uncertain significance for Beckwith-Wiedemann syndrome. Last evaluated: 2025-06-12. Review status: criteria provided, single submitter. Criteria: Invitae Variant Classification Sherloc (09022015). Collection method: clinical testing. Allele origin: germline.
Comment: This sequence change replaces alanine, which is neutral and non-polar, with valine, which is neutral and non-polar, at codon 143 of the CDKN1C protein (p.Ala143Val). This variant is present in population databases (no rsID available, gnomAD 0.01%). This variant has not been reported in the literature in individuals affected with CDKN1C-related conditions. ClinVar contains an entry for this variant (Variation ID: 643966). Experimental studies and prediction algorithms are not available or were not evaluated, and the functional significance of this variant is currently unknown. In summary, the available evidence is currently insufficient to determine the role of this variant in disease. Therefore, it has been classified as a Variant of Uncertain Significance.

Fulgent Genetics
Classification: Uncertain significance for Beckwith-Wiedemann syndrome; IMAGe syndrome. Last evaluated: 2024-03-25. Review status: criteria provided, single submitter. Criteria: ACMG Guidelines, 2015. Collection method: clinical testing. Allele origin: germline.